The following is an entry in ClinVar:

ClinVar aggregate classification (germline): Uncertain significance (1 of 4 stars; one submission).

Conditions:
SCN8A-related disorder.

Submission:

PreventionGenetics, part of Exact Sciences
Classification: Uncertain significance for SCN8A-related condition. Last evaluated: 2023-08-30. Review status: criteria provided, single submitter. Criteria: ACMG Guidelines, 2015. Collection method: clinical testing. Allele origin: germline.
Comment: The SCN8A c.5284A>G variant is predicted to result in the amino acid substitution p.Ile1762Val. To our knowledge, this variant has not been reported in the literature or in a large population database, indicating this variant is rare. Of note, a different substitution at the same codon defined as p.Ile1762Thr has been reported to occur de novo in an individual with epilepsy (Johannesen et al. 2022. PubMed ID: 34431999, supplementary tables). At this time, the clinical significance of the p.Ile1762Val variant found in this patient is uncertain due to the absence of conclusive functional and genetic evidence.

NM_001330260.2(SCN8A):c.5284A>G (p.Ile1762Val)

Gene: SCN8A (sodium voltage-gated channel alpha subunit 8; plus strand). Cytogenetic location: 12q13.13.
Variant type: single nucleotide variant.
Coding change: c.5284A>G on transcript NM_001330260.2 (MANE Select); coding-DNA position 5284, A replaced by G.
Protein change: p.Ile1762Val; replaces isoleucine 1762 with valine.
Molecular consequence: missense variant.
Genome position (GRCh38, 1-based): chr12:51,806,770, A>G. VCF-style: chr12-51806770-A-G. GRCh37 (hg19) VCF-style: chr12-52200554-A-G.
Other names: c.5161A>G, p.Ile1721Val (NM_001177984.3, NM_001369788.1); c.5284A>G, p.Ile1762Val (NM_014191.4); short protein forms I1721V, I1762V.
Identifiers: ClinVar variation 2631092 (VCV002631092.1), dbSNP rs2138943320, ClinGen allele CA384885188.
Genomic context (GRCh38, chr12:51,806,770, plus strand): 5'-GGCATCTTCTTCTTTGTAAGCTACATCATCATCTCTTTCCTAATTGTCGTGAACATGTAC[A>G]TTGCCATCATCCTGGAGAACTTCAGTGTAGCCACAGAGGAAAGTGCAGACCCTCTGAGTG-3'
Protein context (NP_001317189.1, residues 1752-1772): ISFLIVVNMY[Ile1762Val]AIILENFSVA